The following is an entry in ClinVar:

NM_005859.5(PURA):c.72C>T (p.Pro24=)

Gene: PURA (purine rich element binding protein A; plus strand). Cytogenetic location: 5q31.3.
Variant type: single nucleotide variant.
Coding change: c.72C>T on transcript NM_005859.5 (MANE Select); coding-DNA position 72, C replaced by T.
Protein change: p.Pro24=; no amino-acid change (proline 24 retained).
Molecular consequence: synonymous variant.
Genome position (GRCh38, 1-based): chr5:140,114,253, C>T. VCF-style: chr5-140114253-C-T. GRCh37 (hg19) VCF-style: chr5-139493838-C-T.
Identifiers: ClinVar variation 2760897 (VCV002760897.3), dbSNP rs1763036127, ClinGen allele CA446758389.

ClinVar aggregate classification (germline): Uncertain significance (1 of 4 stars; one submission).

Conditions:
PURA-related severe neonatal hypotonia-seizures-encephalopathy syndrome (NEDRIHF). Also called: NEURODEVELOPMENTAL DISORDER WITH NEONATAL RESPIRATORY INSUFFICIENCY, HYPOTONIA, AND FEEDING DIFFICULTIES; PURA-Related Neurodevelopmental Disorders. Identifiers: Orphanet 438213, Orphanet 438216, MedGen C4015357, MONDO:1060108, OMIM 616158, MONDO:0018580.

Allele frequency attached by ClinVar (database versions not stated): gnomAD exomes below 0.00001.
gnomAD v4.1: 2 of 1,190,690 alleles (0.00017%); highest among the groups gnomAD compares: Non-Finnish European, 0.00021%; no homozygotes.

Submission:

Labcorp Genetics (formerly Invitae), Labcorp
Classification: Uncertain significance for PURA-related severe neonatal hypotonia-seizures-encephalopathy syndrome. Last evaluated: 2024-07-01. Review status: criteria provided, single submitter. Criteria: Invitae Variant Classification Sherloc (09022015). Collection method: clinical testing. Allele origin: germline.
Comment: This sequence change affects codon 24 of the PURA mRNA. It is a 'silent' change, meaning that it does not change the encoded amino acid sequence of the PURA protein. The frequency data for this variant in the population databases is considered unreliable, as metrics indicate insufficient coverage at this position in the gnomAD database. This variant has not been reported in the literature in individuals affected with PURA-related conditions. Experimental studies and prediction algorithms are not available or were not evaluated, and the effect of this variant on mRNA splicing is currently unknown. In summary, the available evidence is currently insufficient to determine the role of this variant in disease. Therefore, it has been classified as a Variant of Uncertain Significance.